The following is an entry in ClinVar:

ClinVar aggregate classification (germline): Benign (1 of 4 stars; one submission).

Conditions:
Peroxisome biogenesis disorder 12A (Zellweger). Also called: Peroxisome biogenesis disorder 12A. Identifiers: Orphanet 912, MedGen C3554002, MONDO:0013951, OMIM 614886.

Allele frequency attached by ClinVar (database versions not stated): ExAC 0.00223; gnomAD exomes 0.00381 and 0.00619; gnomAD 0.02895 and 0.03113; 1000 Genomes Project 0.03035; TOPMed 0.03174; 1000 Genomes Project 30x 0.03310.
gnomAD v4.1: 5,937 of 547,246 alleles (1.1%); highest among the groups gnomAD compares: African/African-American, 9.9%; 278 homozygotes.

Submission:

Illumina Laboratory Services, Illumina
Classification: Benign for Peroxisome biogenesis disorder 12A (Zellweger). Last evaluated: 2018-01-12. Review status: criteria provided, single submitter. Criteria: ICSL Variant Classification Criteria 13 December 2019. Collection method: clinical testing. Allele origin: germline.
Comment: This variant was observed in the ICSL laboratory as part of a predisposition screen in an ostensibly healthy population. It had not been previously curated by ICSL or reported in the Human Gene Mutation Database (HGMD: prior to June 1st, 2018), and was therefore a candidate for classification through an automated scoring system. Utilizing variant allele frequency, disease prevalence and penetrance estimates, and inheritance mode, an automated score was calculated to assess if this variant is too frequent to cause the disease. Based on the score and internal cut-off values, a variant classified as benign is not then subjected to further curation. The score for this variant resulted in a classification of benign for this disease.

NM_002857.4(PEX19):c.*1084T>C

Gene: PEX19 (peroxisomal biogenesis factor 19; minus strand). Cytogenetic location: 1q23.2.
Variant type: single nucleotide variant.
Coding change: c.*1084T>C on transcript NM_002857.4 (MANE Select); 1084 bases downstream of the stop codon, T replaced by C.
Molecular consequence: 3 prime UTR variant. On other transcripts: non-coding transcript variant (2).
Genome position (GRCh38, 1-based): chr1:160,278,467, A>G on the plus strand (T>C on the coding strand, the complement: PEX19 is on the minus strand). VCF-style: chr1-160278467-A-G. GRCh37 (hg19) VCF-style: chr1-160248257-A-G.
Other names: c.*1092T>C (NM_001193644.1).
Identifiers: ClinVar variation 293211 (VCV000293211.5), dbSNP rs77962224, ClinGen allele CA1197111.
Genomic context (GRCh38, chr1:160,278,467, plus strand): 5'-TGTAGAACTAGTCTCCTAATATACCTCACTCTGCAACTTACGGAAGCTGAGGAAGATCAG[A>G]AAAAGACCACACTCCTCACTCAGAATATTTATTATATTCTGCCCCATGGGGCCTTGCAGG-3'